The following is an entry in ClinVar:

NM_017882.3(CLN6):c.279G>A (p.Thr93=)

Gene: CLN6 (CLN6 transmembrane ER protein; minus strand). Cytogenetic location: 15q23.
Variant type: single nucleotide variant.
Coding change: c.279G>A on transcript NM_017882.3 (MANE Select); coding-DNA position 279, G replaced by A.
Protein change: p.Thr93=; no amino-acid change (threonine 93 retained).
Molecular consequence: synonymous variant.
Genome position (GRCh38, 1-based): chr15:68,214,308, C>T on the plus strand (G>A on the coding strand, the complement: CLN6 is on the minus strand). VCF-style: chr15-68214308-C-T. GRCh37 (hg19) VCF-style: chr15-68506646-C-T.
Identifiers: ClinVar variation 700203 (VCV000700203.12), dbSNP rs746613593, ClinGen allele CA7630650.

ClinVar aggregate classification (germline): Likely benign. Review status: criteria provided, multiple submitters, no conflicts (2 of 4 stars). 2 submissions from 2 submitters: Likely benign (2). Last evaluated 2026-08-04.

Conditions:
CLN6-related disorder. Also called: CLN6-related condition.
Neuronal ceroid lipofuscinosis. Also called: Neuronal Ceroid Lipofuscinoses. Identifiers: Orphanet 216, Orphanet 79263, MedGen C0027877, MONDO:0016295. Disease mechanism: loss of function.

Allele frequency attached by ClinVar (database versions not stated): gnomAD 0.00001; TOPMed 0.00002; gnomAD exomes 0.00005 and 0.00006; ExAC 0.00007.
gnomAD v4.1: 81 of 1,613,374 alleles (0.005%); highest among the groups gnomAD compares: East Asian, 0.17%; no homozygotes.

Submissions (2):

PreventionGenetics, part of Exact Sciences
Classification: Likely benign for CLN6-related condition. Last evaluated: 2026-08-04. Review status: criteria provided, single submitter. Criteria: ACMG Guidelines, 2015. Collection method: clinical testing. Allele origin: germline.
Comment: This variant is classified as likely benign based on ACMG/AMP sequence variant interpretation guidelines (Richards et al. 2015 PMID: 25741868, with internal and published modifications).

Labcorp Genetics (formerly Invitae), Labcorp
Classification: Likely benign for Neuronal ceroid lipofuscinosis. Last evaluated: 2026-01-24. Review status: criteria provided, single submitter. Criteria: Invitae Variant Classification Sherloc (09022015). Collection method: clinical testing. Allele origin: germline.